The following is an entry in ClinVar:

ClinVar aggregate classification (germline): Uncertain significance (1 of 4 stars; one submission).

Conditions:
Hereditary cancer-predisposing syndrome. Also called: Tumor predisposition; Hereditary neoplastic syndrome; Hereditary Cancer Syndrome; Neoplastic Syndromes, Hereditary. Identifiers: Orphanet 140162, MedGen C0027672, MeSH D009386, MONDO:0015356.

Submission:

Ambry Genetics
Classification: Uncertain significance for Hereditary cancer-predisposing syndrome. Last evaluated: 2024-02-25. Review status: criteria provided, single submitter. Criteria: Ambry Variant Classification Scheme 2023. Collection method: clinical testing. Allele origin: germline.
Comment: The p.R366P variant (also known as c.1097G>C), located in coding exon 9 of the MRE11A gene, results from a G to C substitution at nucleotide position 1097. The arginine at codon 366 is replaced by proline, an amino acid with dissimilar properties. This amino acid position is conserved. In addition, this alteration is predicted to be deleterious by in silico analysis. Based on the available evidence, the clinical significance of this alteration remains unclear.

NM_005591.4(MRE11):c.1097G>C (p.Arg366Pro)

Gene: MRE11 (MRE11 double strand break repair nuclease; minus strand). Cytogenetic location: 11q21.
Variant type: single nucleotide variant.
Coding change: c.1097G>C on transcript NM_005591.4 (MANE Select); coding-DNA position 1097, G replaced by C.
Protein change: p.Arg366Pro; replaces arginine 366 with proline.
Molecular consequence: missense variant.
Genome position (GRCh38, 1-based): chr11:94,467,814, C>G on the plus strand (G>C on the coding strand, the complement: MRE11 is on the minus strand). VCF-style: chr11-94467814-C-G. GRCh37 (hg19) VCF-style: chr11-94200980-C-G.
Other names: c.1097G>C, p.Arg366Pro (NM_001330347.2, NM_005590.4); short protein forms R366P.
Identifiers: ClinVar variation 3224815 (VCV003224815.1), dbSNP rs773968042, ClinGen allele CA382373631.
Genomic context (GRCh38, chr11:94,467,814, plus strand): 5'-ACTGTACATTACTATGCTTTGAAAATTAATAATATTCAATCTATATAAATAGGACTTACT[C>G]GCAGTCGTACAAGAGGCTTCTCTGGCTGGTGAGAATTACCCAGACGTTCCCGTTCAGCAT-3'
Protein context (NP_005582.1, residues 356-376): HQPEKPLVRL[Arg366Pro]VDYSGGFEPF